The following is an entry in ClinVar:

NM_000554.6(CRX):c.*2880T>C

Genes: CRX (cone-rod homeobox; plus strand), TPRX2 (tetrapeptide repeat homeobox 2; plus strand). Cytogenetic location: 19q13.33.
Variant type: single nucleotide variant.
Coding change: c.*2880T>C on transcript NM_000554.6 (MANE Select); 2880 bases downstream of the stop codon, T replaced by C.
Molecular consequence: 3 prime UTR variant.
Genome position (GRCh38, 1-based): chr19:47,842,847, T>C. VCF-style: chr19-47842847-T-C. GRCh37 (hg19) VCF-style: chr19-48346104-T-C.
Identifiers: ClinVar variation 329775 (VCV000329775.29), dbSNP rs142202442, ClinGen allele CA10648929.

ClinVar aggregate classification (germline): Conflicting classifications of pathogenicity. Review status: criteria provided, conflicting classifications (1 of 4 stars). 4 submissions from 2 submitters: Uncertain significance (1); Benign (1); Likely benign (2). Last evaluated 2022-11-01.

Conditions:
Cone-rod dystrophy 2 (CORD2). Also called: CONE-ROD RETINAL DYSTROPHY; Cone-rod retinal dystrophy 2. Identifiers: Orphanet 1872, MedGen C3489532, MONDO:0007362, OMIM 120970.
Leber congenital amaurosis 7 (LCA7). Identifiers: Orphanet 65, MedGen C3151192, MONDO:0013449, OMIM 613829.
Retinitis pigmentosa (RP). Identifiers: Orphanet 791, MedGen C0035334, MeSH D012174, MONDO:0019200, OMIM 268000. Inheritance: Autosomal dominant, autosomal recessive and X linked inheritance.

Allele frequency attached by ClinVar (database versions not stated): 1000 Genomes Project 0.00260; 1000 Genomes Project 30x 0.00265; TOPMed 0.00402; gnomAD 0.00669 and 0.00672; gnomAD exomes 0.03889.
gnomAD v4.1: 1,022 of 152,418 alleles (0.67%); highest among the groups gnomAD compares: Middle Eastern, 3.4%; 11 homozygotes.

Submissions (4):

CeGaT Center for Human Genetics Tuebingen
Classification: Likely benign. Last evaluated: 2022-11-01. Review status: criteria provided, single submitter. Criteria: CeGaT Center For Human Genetics Tuebingen Variant Classification Criteria Version 2. Collection method: clinical testing. Allele origin: germline. Affected: yes. Observed: 1 variant allele.
Comment: CRX: BS2; TPRX2: BS2

Illumina Laboratory Services, Illumina
Classification: Likely benign for Retinitis pigmentosa. Last evaluated: 2018-01-12. Review status: criteria provided, single submitter. Criteria: ICSL Variant Classification Criteria 13 December 2019. Collection method: clinical testing. Allele origin: germline.
Comment: This variant was observed in the ICSL laboratory as part of a predisposition screen in an ostensibly healthy population. It had not been previously curated by ICSL or reported in the Human Gene Mutation Database (HGMD: prior to June 1st, 2018), and was therefore a candidate for classification through an automated scoring system. Utilizing variant allele frequency, disease prevalence and penetrance estimates, and inheritance mode, an automated score was calculated to assess if this variant is too frequent to cause the disease. Based on the score and internal cut-off values, a variant classified as likely benign is not then subjected to further curation. The score for this variant resulted in a classification of likely benign for this disease.

Illumina Laboratory Services, Illumina
Classification: Uncertain significance for Leber congenital amaurosis 7. Last evaluated: 2018-01-12. Review status: criteria provided, single submitter. Criteria: ICSL Variant Classification Criteria 13 December 2019. Collection method: clinical testing. Allele origin: germline.

Illumina Laboratory Services, Illumina
Classification: Benign for Cone-rod dystrophy 2. Last evaluated: 2018-01-12. Review status: criteria provided, single submitter. Criteria: ICSL Variant Classification Criteria 13 December 2019. Collection method: clinical testing. Allele origin: germline.
Comment: This variant was observed in the ICSL laboratory as part of a predisposition screen in an ostensibly healthy population. It had not been previously curated by ICSL or reported in the Human Gene Mutation Database (HGMD: prior to June 1st, 2018), and was therefore a candidate for classification through an automated scoring system. Utilizing variant allele frequency, disease prevalence and penetrance estimates, and inheritance mode, an automated score was calculated to assess if this variant is too frequent to cause the disease. Based on the score and internal cut-off values, a variant classified as benign is not then subjected to further curation. The score for this variant resulted in a classification of benign for this disease.